The following is an entry in ClinVar:

NM_013275.6(ANKRD11):c.6138del (p.Ala2047fs)

Gene: ANKRD11 (ankyrin repeat domain containing 11; minus strand). Cytogenetic location: 16q24.3.
Variant type: Deletion.
Coding change: c.6138del on transcript NM_013275.6 (MANE Select); coding-DNA position 6138, one base deleted (C; older notation c.6138delC).
Protein change: p.Ala2047fs; shifts the reading frame from alanine 2047.
Molecular consequence: frameshift variant.
Genome position (GRCh38, 1-based): chr16:89,280,404, G deleted on the plus strand (C on the coding strand, the reverse complement: ANKRD11 is on the minus strand); the first of 2 consecutive G bases (chr16:89,280,404-89,280,405); deleting either gives the same sequence. VCF-style (leftmost placement, unchanged base first): chr16-89280403-CG-C. GRCh37 (hg19) VCF-style: chr16-89346811-CG-C.
Other names: c.6138del, p.Ala2047fs (NM_001256182.2, NM_001256183.2); short protein forms A2047fs.
Identifiers: ClinVar variation 451268 (VCV000451268.2), dbSNP rs1555526086, ClinGen allele CA658658518.

ClinVar aggregate classification (germline): Pathogenic (1 of 4 stars; one submission).

Submission:

GeneDx
Classification: Pathogenic. Last evaluated: 2017-08-03. Review status: criteria provided, single submitter. Criteria: GeneDx Variant Classification (06012015). Collection method: clinical testing. Allele origin: germline. Affected: yes.
Comment: The c.6138delC variant in the ANKRD11 gene has not been reported previously as a pathogenic variant nor as a benign variant, to our knowledge. The c.6138delC variant causes a frameshift starting with codon Alanine 2047, changes this amino acid to a Proline residue, and creates a premature Stop codon at position 40 of the new reading frame, denoted p.Ala2047ProfsX40. This variant is predicted to cause loss of normal protein function either through protein truncation or nonsense-mediated mRNA decay. The c.6138delC variant is not observed in large population cohorts (Lek et al., 2016; 1000 Genomes Consortium et al., 2015; Exome Variant Server). We interpret c.6138delC as a pathogenic variant